The following is an entry in ClinVar:

NM_001099274.3(TINF2):c.334G>C (p.Glu112Gln)

Gene: TINF2 (TERF1 interacting nuclear factor 2; minus strand). Cytogenetic location: 14q12.
Variant type: single nucleotide variant.
Coding change: c.334G>C on transcript NM_001099274.3 (MANE Select); coding-DNA position 334, G replaced by C.
Protein change: p.Glu112Gln; replaces glutamic acid 112 with glutamine.
Molecular consequence: missense variant.
Genome position (GRCh38, 1-based): chr14:24,241,740, C>G on the plus strand (G>C on the coding strand, the complement: TINF2 is on the minus strand). VCF-style: chr14-24241740-C-G. GRCh37 (hg19) VCF-style: chr14-24710946-C-G.
Other names: c.229G>C, p.Glu77Gln (NM_001363668.2); c.334G>C, p.Glu112Gln (NM_012461.3); short protein forms E77Q, E112Q.
Identifiers: ClinVar variation 1931942 (VCV001931942.5), dbSNP rs2502464169, ClinGen allele CA389233239.

ClinVar aggregate classification (germline): Uncertain significance (1 of 4 stars; one submission).

Conditions:
Dyskeratosis congenita. Identifiers: Orphanet 1775, MedGen C0265965, MONDO:0015780.

Allele frequency attached by ClinVar (database versions not stated): gnomAD exomes below 0.00001.

Submission:

Labcorp Genetics (formerly Invitae), Labcorp
Classification: Uncertain significance for Dyskeratosis congenita. Last evaluated: 2022-09-21. Review status: criteria provided, single submitter. Criteria: Invitae Variant Classification Sherloc (09022015). Collection method: clinical testing. Allele origin: germline.
Comment: In summary, the available evidence is currently insufficient to determine the role of this variant in disease. Therefore, it has been classified as a Variant of Uncertain Significance. Algorithms developed to predict the effect of missense changes on protein structure and function are either unavailable or do not agree on the potential impact of this missense change (SIFT: "Tolerated"; PolyPhen-2: "Possibly Damaging"; Align-GVGD: "Class C0"). This variant has not been reported in the literature in individuals affected with TINF2-related conditions. This variant is not present in population databases (gnomAD no frequency). This sequence change replaces glutamic acid, which is acidic and polar, with glutamine, which is neutral and polar, at codon 112 of the TINF2 protein (p.Glu112Gln).